The following is an entry in ClinVar:

NM_014915.3(ANKRD26):c.3718G>C (p.Ala1240Pro)

Gene: ANKRD26 (ankyrin repeat domain containing 26; minus strand). Cytogenetic location: 10p12.1.
Variant type: single nucleotide variant.
Coding change: c.3718G>C on transcript NM_014915.3 (MANE Select); coding-DNA position 3718, G replaced by C.
Protein change: p.Ala1240Pro; replaces alanine 1240 with proline.
Molecular consequence: missense variant.
Genome position (GRCh38, 1-based): chr10:27,033,314, C>G on the plus strand (G>C on the coding strand, the complement: ANKRD26 is on the minus strand). VCF-style: chr10-27033314-C-G. GRCh37 (hg19) VCF-style: chr10-27322243-C-G.
Other names: c.3715G>C, p.Ala1239Pro (NM_001256053.2); short protein forms A1239P, A1240P.
Identifiers: ClinVar variation 3913450 (VCV003913450.1).

ClinVar aggregate classification (germline): Uncertain significance (1 of 4 stars; one submission).

Conditions:
Inborn genetic diseases. Identifiers: MedGen C0950123, MeSH D030342.

Submission:

Ambry Genetics
Classification: Uncertain significance for Inborn genetic diseases. Last evaluated: 2025-03-30. Review status: criteria provided, single submitter. Criteria: Ambry Variant Classification Scheme 2023. Collection method: clinical testing. Allele origin: germline.
Comment: The p.A1240P variant (also known as c.3718G>C), located in coding exon 25 of the ANKRD26 gene, results from a G to C substitution at nucleotide position 3718. The alanine at codon 1240 is replaced by proline, an amino acid with highly similar properties. This amino acid position is conserved. In addition, the in silico prediction for this alteration is inconclusive. Based on the available evidence, the clinical significance of this variant remains unclear.